The following is an entry in ClinVar:

ClinVar aggregate classification (germline): Pathogenic. Review status: criteria provided, multiple submitters, no conflicts (2 of 4 stars). 2 submissions from 2 submitters: Pathogenic (2). Last evaluated 2026-09-28.

Conditions:
Hereditary nonpolyposis colorectal neoplasms. Identifiers: MedGen C0009405, MeSH D003123.
Lynch syndrome 5 (LYNCH5). Also called: Colorectal cancer, hereditary nonpolyposis, type 5; Hereditary non-polyposis colorectal cancer, type 5. Identifiers: Orphanet 144, MedGen C1833477, MONDO:0013710, OMIM 614350. Disease mechanism: loss of function.

Submissions (2):

Myriad Genetics, Inc.
Classification: Pathogenic for Lynch syndrome 5. Last evaluated: 2026-09-28. Review status: criteria provided, single submitter. Criteria: Myriad Autosomal Dominant, Autosomal Recessive and X-Linked Classification Criteria (2023). Collection method: clinical testing. Allele origin: unknown.
Comment: This variant is considered pathogenic. This variant creates a frameshift predicted to result in premature protein truncation.

Labcorp Genetics (formerly Invitae), Labcorp
Classification: Pathogenic for Hereditary nonpolyposis colorectal neoplasms. Last evaluated: 2018-08-29. Review status: criteria provided, single submitter. Criteria: Invitae Variant Classification Sherloc (09022015). Collection method: clinical testing. Allele origin: germline.
Comment: Loss-of-function variants in MSH6 are known to be pathogenic (PMID: 18269114, 24362816). For these reasons, this variant has been classified as Pathogenic. This variant has not been reported in the literature in individuals with MSH6-related disease. This sequence change creates a premature translational stop signal (p.Glu30Argfs*59) in the MSH6 gene. It is expected to result in an absent or disrupted protein product. This variant is not present in population databases (ExAC no frequency).

Literature cited by the submitters: PubMed 18269114 (cited by Labcorp Genetics (formerly Invitae), Labcorp); PubMed 24362816 (cited by Labcorp Genetics (formerly Invitae), Labcorp).

NM_000179.3(MSH6):c.84_85del (p.Glu30fs)

Gene: MSH6 (mutS homolog 6; plus strand). Cytogenetic location: 2p16.3.
Variant type: Deletion.
Coding change: c.84_85del on transcript NM_000179.3 (MANE Select); coding-DNA positions 84 to 85, 2 bases deleted (AC; older notation c.84_85delAC).
Protein change: p.Glu30fs; shifts the reading frame from glutamic acid 30.
Molecular consequence: frameshift variant. On other transcripts: 5 prime UTR variant (1).
Genome position (GRCh38, 1-based): chr2:47,783,317-47,783,318, AC deleted; deleting any 2 consecutive bases within chr2:47,783,316-47,783,318 gives the same sequence; the c. name uses the placement nearest the transcript's 3' end. VCF-style (leftmost placement, unchanged base first): chr2-47783315-TCA-T. GRCh37 (hg19) VCF-style: chr2-48010454-TCA-T.
Other names: c.84_85delAC (NM_000179.2); c.84_85del, p.Glu30fs (NM_001281492.2); c.-653_-652del (NM_001281493.2); short protein forms E30fs.
Identifiers: ClinVar variation 578670 (VCV000578670.9), dbSNP rs1558644886, ClinGen allele CA891843158.